The following is an entry in ClinVar:

ClinVar aggregate classification (germline): Likely pathogenic (1 of 4 stars; one submission).

Conditions:
Primary ciliary dyskinesia 3. Identifiers: Orphanet 244, MedGen C1837618, MONDO:0012085, OMIM 608644.

Submission:

Myriad Genetics, Inc.
Classification: Likely pathogenic for Primary ciliary dyskinesia 3. Last evaluated: 2022-03-04. Review status: criteria provided, single submitter. Criteria: Myriad Women's Health Autosomal Recessive and X-Linked Classification Criteria (2021). Collection method: clinical testing. Allele origin: unknown.
Comment: NM_001369.2(DNAH5):c.7131_7146del16(F2377Lfs*17) is expected to be pathogenic in the context of DNAH5-related primary ciliary dyskinesia. This variant is predicted to lead to an abnormal or absent protein product due to the creation of a premature termination codon in DNAH5, a gene where loss-of-function variants are known to be pathogenic. Please note: this variant was assessed in the context of healthy population screening.

NM_001369.3(DNAH5):c.7131_7146del (p.Phe2377fs)

Gene: DNAH5 (dynein axonemal heavy chain 5; minus strand). Cytogenetic location: 5p15.2.
Variant type: Deletion.
Coding change: c.7131_7146del on transcript NM_001369.3 (MANE Select); coding-DNA positions 7131 to 7146, 16 bases deleted (CGAGCCTCATAACATT).
Protein change: p.Phe2377fs; shifts the reading frame from phenylalanine 2377.
Molecular consequence: frameshift variant.
Genome position (GRCh38, 1-based): chr5:13,814,689-13,814,704, AATGTTATGAGGCTCG deleted on the plus strand (CGAGCCTCATAACATT on the coding strand, the reverse complement: DNAH5 is on the minus strand); deleting any 16 consecutive bases within chr5:13,814,689-13,814,706 gives the same sequence; the c. name uses the placement nearest the transcript's 3' end. VCF-style (leftmost placement, unchanged base first): chr5-13814688-CAATGTTATGAGGCTCG-C. GRCh37 (hg19) VCF-style: chr5-13814797-CAATGTTATGAGGCTCG-C.
Other names: short protein forms F2377fs.
Identifiers: ClinVar variation 1725003 (VCV001725003.2), dbSNP rs2546825085, ClinGen allele CA2580072030.